The following is an entry in ClinVar:

ClinVar aggregate classification (germline): Uncertain significance (1 of 4 stars; one submission).

gnomAD v4.1: 30 of 1,612,450 alleles (0.0019%); highest among the groups gnomAD compares: Non-Finnish European, 0.0025%; no homozygotes.

Submission:

Labcorp Genetics (formerly Invitae), Labcorp
Classification: Uncertain significance. Last evaluated: 2023-12-15. Review status: criteria provided, single submitter. Criteria: Invitae Variant Classification Sherloc (09022015). Collection method: clinical testing. Allele origin: germline.
Comment: This sequence change replaces aspartic acid, which is acidic and polar, with glutamic acid, which is acidic and polar, at codon 649 of the CLCN7 protein (p.Asp649Glu). This variant is present in population databases (rs547786206, gnomAD 0.006%). This variant has not been reported in the literature in individuals affected with CLCN7-related conditions. Advanced modeling of protein sequence and biophysical properties (such as structural, functional, and spatial information, amino acid conservation, physicochemical variation, residue mobility, and thermodynamic stability) performed at Invitae indicates that this missense variant is not expected to disrupt CLCN7 protein function with a negative predictive value of 95%. In summary, the available evidence is currently insufficient to determine the role of this variant in disease. Therefore, it has been classified as a Variant of Uncertain Significance.

NM_001287.6(CLCN7):c.1947C>A (p.Asp649Glu)

Gene: CLCN7 (chloride voltage-gated channel 7; minus strand). Cytogenetic location: 16p13.3.
Variant type: single nucleotide variant.
Coding change: c.1947C>A on transcript NM_001287.6 (MANE Select); coding-DNA position 1947, C replaced by A.
Protein change: p.Asp649Glu; replaces aspartic acid 649 with glutamic acid.
Molecular consequence: missense variant.
Genome position (GRCh38, 1-based): chr16:1,448,421, G>T on the plus strand (C>A on the coding strand, the complement: CLCN7 is on the minus strand). VCF-style: chr16-1448421-G-T. GRCh37 (hg19) VCF-style: chr16-1498422-G-T.
Other names: c.1875C>A, p.Asp625Glu (NM_001114331.3); short protein forms D625E, D649E.
Identifiers: ClinVar variation 2788570 (VCV002788570.3), dbSNP rs547786206, ClinGen allele CA7809977.